The following is an entry in ClinVar:

ClinVar aggregate classification (germline): Uncertain significance. Review status: criteria provided, multiple submitters, no conflicts (2 of 4 stars). 2 submissions from 2 submitters: Uncertain significance (2). Last evaluated 2018-01-12.

Conditions:
Arterial tortuosity syndrome (ATORS). Identifiers: Orphanet 3342, MedGen C1859726, MONDO:0008818, OMIM 208050.

Allele frequency attached by ClinVar (database versions not stated): gnomAD 0.00001 and 0.00002; gnomAD exomes 0.00001 and 0.00009; ExAC 0.00002; TOPMed 0.00002.
gnomAD v4.1: 57 of 1,614,086 alleles (0.0035%); highest among the groups gnomAD compares: East Asian, 0.12%; 1 homozygote.

Submissions (2):

Illumina Laboratory Services, Illumina
Classification: Uncertain significance for Arterial tortuosity syndrome. Last evaluated: 2018-01-12. Review status: criteria provided, single submitter. Criteria: ICSL Variant Classification Criteria 13 December 2019. Collection method: clinical testing. Allele origin: germline.

GeneDx
Classification: Uncertain significance. Last evaluated: 2016-12-20. Review status: criteria provided, single submitter. Criteria: GeneDx Variant Classification (06012015). Collection method: clinical testing. Allele origin: germline. Affected: yes.
Comment: The Q338H variant of uncertain significance in the SLC2A10 gene has not been published as a pathogenic variant,nor has it been reported as a benign variant to our knowledge. Q338H was not observed with any significant frequencyin the NHLBI Exome Sequencing Project or in the Exome Aggregation Consortium (ExAC). The Q338H variant is asemi-conservative amino acid substitution, which may impact secondary protein structure as these residues differ insome properties. However, this substitution occurs at a position that is not conserved, where Histidine is the nativeamino acid residue in multiple species. Furthermore, in silico analysis predicts this variant likely does not alter theprotein structure/function.Therefore, based on the currently available information, it is unclear whether this variant is pathogenic or rare benign. Thisresult cannot be interpreted for diagnosis or used for family member screening at this time.

NM_030777.4(SLC2A10):c.1014G>C (p.Gln338His)

Gene: SLC2A10 (solute carrier family 2 member 10; plus strand). Cytogenetic location: 20q13.12.
Variant type: single nucleotide variant.
Coding change: c.1014G>C on transcript NM_030777.4 (MANE Select); coding-DNA position 1014, G replaced by C.
Protein change: p.Gln338His; replaces glutamine 338 with histidine.
Molecular consequence: missense variant.
Genome position (GRCh38, 1-based): chr20:46,726,050, G>C. VCF-style: chr20-46726050-G-C. GRCh37 (hg19) VCF-style: chr20-45354689-G-C.
Other names: short protein forms Q338H.
Identifiers: ClinVar variation 391867 (VCV000391867.6), dbSNP rs35833600, ClinGen allele CA9892089.